The following is an entry in ClinVar:

NM_000138.5(FBN1):c.7141C>T (p.Gln2381Ter)

Gene: FBN1 (fibrillin 1; minus strand). Cytogenetic location: 15q21.1.
Variant type: single nucleotide variant.
Coding change: c.7141C>T on transcript NM_000138.5 (MANE Select); coding-DNA position 7141, C replaced by T.
Protein change: p.Gln2381Ter; replaces glutamine 2381 with a stop codon.
Molecular consequence: nonsense.
Genome position (GRCh38, 1-based): chr15:48,427,630, G>A on the plus strand (C>T on the coding strand, the complement: FBN1 is on the minus strand). VCF-style: chr15-48427630-G-A. GRCh37 (hg19) VCF-style: chr15-48719827-G-A.
Other names: short protein forms Q2381*.
Identifiers: ClinVar variation 222612 (VCV000222612.11), dbSNP rs869025414, ClinGen allele CA353645.
Genomic context (GRCh38, chr15:48,427,630, plus strand): 5'-CTCCATTGGTCATGAATCCTCGGCCATGGGGACAGAGTTTCTTGAAAGCCACAGTCCCCT[G>A]GAAAGGGCAGATCTCACAGTGGGGACCCCAGCCTCTCCCTCCGTCACAGCAGCATTCCGA-3'

ClinVar aggregate classification (germline): Pathogenic. Review status: criteria provided, multiple submitters, no conflicts (2 of 4 stars). 3 submissions from 3 submitters: Pathogenic (2). 1 of the submissions does not count toward it. Last evaluated 2022-07-19.

Conditions:
Marfan syndrome (MFS). Also called: MARFAN SYNDROME, TYPE I; FBN1-Related Marfan Syndrome; Marfan syndrome, classic; Marfan syndrome type 1; Marfan's syndrome. Identifiers: Orphanet 284963, Orphanet 558, MedGen C0024796, MONDO:0007947, OMIM 154700.
Familial thoracic aortic aneurysm and aortic dissection (TAAD). Also called: Thoracic aortic aneurysms and dissections. Identifiers: Orphanet 91387, MedGen C4707243, MONDO:0019625.

Submissions (3):

Labcorp Genetics (formerly Invitae), Labcorp
Classification: Pathogenic for Marfan syndrome; Familial thoracic aortic aneurysm and aortic dissection. Last evaluated: 2022-07-19. Review status: criteria provided, single submitter. Criteria: Invitae Variant Classification Sherloc (09022015). Collection method: clinical testing. Allele origin: germline.
Comment: ClinVar contains an entry for this variant (Variation ID: 222612). This premature translational stop signal has been observed in individual(s) with Marfan Syndrome (PMID: 19293843). This variant is not present in population databases (gnomAD no frequency). This sequence change creates a premature translational stop signal (p.Gln2381*) in the FBN1 gene. It is expected to result in an absent or disrupted protein product. Loss-of-function variants in FBN1 are known to be pathogenic (PMID: 17657824, 19293843). For these reasons, this variant has been classified as Pathogenic.

Ambry Genetics
Classification: Pathogenic for Familial thoracic aortic aneurysm and aortic dissection. Last evaluated: 2021-07-12. Review status: criteria provided, single submitter. Criteria: Ambry Variant Classification Scheme 2023. Collection method: clinical testing. Allele origin: germline.
Comment: The p.Q2381* pathogenic mutation (also known as c.7141C>T), located in coding exon 57 of the FBN1 gene, results from a C to T substitution at nucleotide position 7141. This changes the amino acid from a glutamine to a stop codon within coding exon 57. This variant has been detected in an individual reported to have Marfan syndrome (Stheneur C et al. Eur J Hum Genet, 2009 Sep;17:1121-8). In addition to the clinical data presented in the literature, this alteration is expected to result in loss of function by premature protein truncation or nonsense-mediated mRNA decay. As such, this alteration is interpreted as a disease-causing mutation.

Center for Medical Genetics Ghent, University of Ghent
Classification: Pathogenic for Marfan syndrome. Last evaluated: 2017-11-07. Review status: no assertion criteria provided. Collection method: clinical testing. Allele origin: germline. Affected: yes. Not counted in ClinVar's aggregate classification.

Literature cited by the submitters: PubMed 19293843 (cited by Labcorp Genetics (formerly Invitae), Labcorp and Ambry Genetics); PubMed 17657824 (cited by Labcorp Genetics (formerly Invitae), Labcorp).